The following is an entry in ClinVar:

ClinVar aggregate classification (germline): Uncertain significance (1 of 4 stars; one submission).

Conditions:
Combined immunodeficiency due to ZAP70 deficiency (IMD48). Also called: Immunodeficiency 48; ZAP70 Deficiency. Identifiers: Orphanet 911, MedGen C2931299, MONDO:0010023, OMIM 269840.

Allele frequency attached by ClinVar (database versions not stated): gnomAD exomes 0.00002.

Submission:

Labcorp Genetics (formerly Invitae), Labcorp
Classification: Uncertain significance for Combined immunodeficiency due to ZAP70 deficiency. Last evaluated: 2022-08-19. Review status: criteria provided, single submitter. Criteria: Invitae Variant Classification Sherloc (09022015). Collection method: clinical testing. Allele origin: germline.
Comment: This sequence change replaces alanine, which is neutral and non-polar, with threonine, which is neutral and polar, at codon 601 of the ZAP70 protein (p.Ala601Thr). This variant is not present in population databases (gnomAD no frequency). This variant has not been reported in the literature in individuals affected with ZAP70-related conditions. ClinVar contains an entry for this variant (Variation ID: 1040180). Algorithms developed to predict the effect of missense changes on protein structure and function are either unavailable or do not agree on the potential impact of this missense change (SIFT: "Not Available"; PolyPhen-2: "Benign"; Align-GVGD: "Not Available"). In summary, the available evidence is currently insufficient to determine the role of this variant in disease. Therefore, it has been classified as a Variant of Uncertain Significance.

NM_001079.4(ZAP70):c.1801G>A (p.Ala601Thr)

Gene: ZAP70 (zeta chain of T cell receptor associated protein kinase 70; plus strand). Cytogenetic location: 2q11.2.
Variant type: single nucleotide variant.
Coding change: c.1801G>A on transcript NM_001079.4 (MANE Select); coding-DNA position 1801, G replaced by A.
Protein change: p.Ala601Thr; replaces alanine 601 with threonine.
Molecular consequence: missense variant.
Genome position (GRCh38, 1-based): chr2:97,739,439, G>A. VCF-style: chr2-97739439-G-A. GRCh37 (hg19) VCF-style: chr2-98355902-G-A.
Other names: c.1801G>A, p.Ala601Thr (NM_001378594.1); c.880G>A, p.Ala294Thr (NM_207519.2); short protein forms A294T, A601T.
Identifiers: ClinVar variation 1040180 (VCV001040180.6), dbSNP rs1451010493, ClinGen allele CA347806501.